The following is an entry in ClinVar:

ClinVar aggregate classification (germline): Uncertain significance (1 of 4 stars; one submission).

Conditions:
Cardiovascular phenotype. Identifiers: MedGen CN230736.

Allele frequency attached by ClinVar (database versions not stated): gnomAD exomes below 0.00001.
gnomAD v4.1: 5 of 1,610,620 alleles (0.00031%); highest among the groups gnomAD compares: Non-Finnish European, 0.00042%; no homozygotes.

Submission:

Ambry Genetics
Classification: Uncertain significance for Cardiovascular phenotype. Last evaluated: 2020-04-17. Review status: criteria provided, single submitter. Criteria: Ambry Variant Classification Scheme 2023. Collection method: clinical testing. Allele origin: germline.
Comment: The p.A112V variant (also known as c.335C>T), located in coding exon 3 of the FKTN gene, results from a C to T substitution at nucleotide position 335. The alanine at codon 112 is replaced by valine, an amino acid with similar properties. This amino acid position is not well conserved in available vertebrate species, and valine is the reference amino acid in other vertebrate species. In addition, the in silico prediction for this alteration is inconclusive. Since supporting evidence is limited at this time, the clinical significance of this alteration remains unclear.

NM_001079802.2(FKTN):c.335C>T (p.Ala112Val)

Gene: FKTN (fukutin; plus strand). Cytogenetic location: 9q31.2.
Variant type: single nucleotide variant.
Coding change: c.335C>T on transcript NM_001079802.2 (MANE Select); coding-DNA position 335, C replaced by T.
Protein change: p.Ala112Val; replaces alanine 112 with valine.
Molecular consequence: missense variant. On other transcripts: 5 prime UTR variant (4), non-coding transcript variant (2).
Genome position (GRCh38, 1-based): chr9:105,601,314, C>T. VCF-style: chr9-105601314-C-T. GRCh37 (hg19) VCF-style: chr9-108363595-C-T.
Other names: c.335C>T, p.Ala112Val (NM_001198963.2, NM_001351496.2, NM_001351498.2 and 1 more transcripts); c.266C>T, p.Ala89Val (NM_001351497.2); c.-180C>T (NM_001351499.2, NM_001351500.2, NM_001351501.2 and 1 more transcripts); short protein forms A89V, A112V.
Identifiers: ClinVar variation 1730588 (VCV001730588.2), dbSNP rs2539337039, ClinGen allele CA374331769.